The following is an entry in ClinVar:

ClinVar aggregate classification (germline): Uncertain significance (1 of 4 stars; one submission).

Conditions:
Fanconi anemia (FA). Also called: Fanconi's anemia. Identifiers: Orphanet 84, MedGen C0015625, MeSH D005199, MONDO:0019391.

Submission:

Labcorp Genetics (formerly Invitae), Labcorp
Classification: Uncertain significance for Fanconi anemia. Last evaluated: 2021-03-10. Review status: criteria provided, single submitter. Criteria: Invitae Variant Classification Sherloc (09022015). Collection method: clinical testing. Allele origin: germline.
Comment: In summary, the available evidence is currently insufficient to determine the role of this variant in disease. Therefore, it has been classified as a Variant of Uncertain Significance. Advanced modeling of protein sequence and biophysical properties (such as structural, functional, and spatial information, amino acid conservation, physicochemical variation, residue mobility, and thermodynamic stability) performed at Invitae indicates that this missense variant is not expected to disrupt FANCA protein function. This sequence change replaces methionine with arginine at codon 365 of the FANCA protein (p.Met365Arg). The methionine residue is weakly conserved and there is a moderate physicochemical difference between methionine and arginine. This variant is not present in population databases (ExAC no frequency). This variant has not been reported in the literature in individuals with FANCA-related conditions.

NM_000135.4(FANCA):c.1094T>G (p.Met365Arg)

Gene: FANCA (FA complementation group A; minus strand). Cytogenetic location: 16q24.3.
Variant type: single nucleotide variant.
Coding change: c.1094T>G on transcript NM_000135.4 (MANE Select); coding-DNA position 1094, T replaced by G.
Protein change: p.Met365Arg; replaces methionine 365 with arginine.
Molecular consequence: missense variant.
Genome position (GRCh38, 1-based): chr16:89,792,058, A>C on the plus strand (T>G on the coding strand, the complement: FANCA is on the minus strand). VCF-style: chr16-89792058-A-C. GRCh37 (hg19) VCF-style: chr16-89858466-A-C.
Other names: c.1094T>G, p.Met365Arg (NM_001286167.3); short protein forms M365R.
Identifiers: ClinVar variation 1413553 (VCV001413553.8), dbSNP rs2040094424, ClinGen allele CA397466376.